The following is an entry in ClinVar:

NM_003816.3(ADAM9):c.1996A>G (p.Asn666Asp)

Gene: ADAM9 (ADAM metallopeptidase domain 9; plus strand). Cytogenetic location: 8p11.22.
Variant type: single nucleotide variant.
Coding change: c.1996A>G on transcript NM_003816.3 (MANE Select); coding-DNA position 1996, A replaced by G.
Protein change: p.Asn666Asp; replaces asparagine 666 with aspartic acid.
Molecular consequence: missense variant. On other transcripts: non-coding transcript variant (1).
Genome position (GRCh38, 1-based): chr8:39,083,001, A>G. VCF-style: chr8-39083001-A-G. GRCh37 (hg19) VCF-style: chr8-38940520-A-G.
Other names: short protein forms N666D.
Identifiers: ClinVar variation 1993261 (VCV001993261.4), dbSNP rs2536378771, ClinGen allele CA370747812.

ClinVar aggregate classification (germline): Uncertain significance (1 of 4 stars; one submission).

Submission:

Labcorp Genetics (formerly Invitae), Labcorp
Classification: Uncertain significance. Last evaluated: 2022-05-24. Review status: criteria provided, single submitter. Criteria: Invitae Variant Classification Sherloc (09022015). Collection method: clinical testing. Allele origin: germline.
Comment: This variant has not been reported in the literature in individuals affected with ADAM9-related conditions. In summary, the available evidence is currently insufficient to determine the role of this variant in disease. Therefore, it has been classified as a Variant of Uncertain Significance. Algorithms developed to predict the effect of sequence changes on RNA splicing suggest that this variant may create or strengthen a splice site. Algorithms developed to predict the effect of missense changes on protein structure and function output the following: SIFT: "Tolerated"; PolyPhen-2: "Benign"; Align-GVGD: "Class C0". The aspartic acid amino acid residue is found in multiple mammalian species, which suggests that this missense change does not adversely affect protein function. This variant is not present in population databases (gnomAD no frequency). This sequence change replaces asparagine, which is neutral and polar, with aspartic acid, which is acidic and polar, at codon 666 of the ADAM9 protein (p.Asn666Asp).